The following is an entry in ClinVar:

NM_014975.3(MAST1):c.3832_3836inv (p.Lys1278_Lys1279delinsPheLeu)

Gene: MAST1 (microtubule associated serine/threonine kinase 1; plus strand). Cytogenetic location: 19p13.13.
Variant type: Inversion.
Coding change: c.3832_3836inv on transcript NM_014975.3 (MANE Select).
Protein change: p.Lys1278_Lys1279delinsPheLeu.
Molecular consequence: missense variant.
Genome position: GRCh38 VCF-style: chr19-12873989-AAGAA-TTCTT. GRCh37 (hg19) VCF-style: chr19-12984803-AAGAA-TTCTT.
Identifiers: ClinVar variation 3774209 (VCV003774209.1).

ClinVar aggregate classification (germline): Uncertain significance (1 of 4 stars; one submission).

Submission:

GeneDx
Classification: Uncertain significance. Last evaluated: 2024-09-18. Review status: criteria provided, single submitter. Criteria: GeneDx Variant Classification Process June 2021. Collection method: clinical testing. Allele origin: germline. Affected: yes.
Comment: Not observed at significant frequency in large population cohorts (gnomAD); In silico analysis supports a deleterious effect on protein structure/function; Has not been previously published as pathogenic or benign to our knowledge